The following is an entry in ClinVar:

NM_004104.5(FASN):c.3649G>A (p.Gly1217Ser)

Gene: FASN (fatty acid synthase; minus strand). Cytogenetic location: 17q25.3.
Variant type: single nucleotide variant.
Coding change: c.3649G>A on transcript NM_004104.5 (MANE Select); coding-DNA position 3649, G replaced by A.
Protein change: p.Gly1217Ser; replaces glycine 1217 with serine.
Molecular consequence: missense variant.
Genome position (GRCh38, 1-based): chr17:82,086,337, C>T on the plus strand (G>A on the coding strand, the complement: FASN is on the minus strand). VCF-style: chr17-82086337-C-T. GRCh37 (hg19) VCF-style: chr17-80044213-C-T.
Other names: short protein forms G1217S.
Identifiers: ClinVar variation 2716789 (VCV002716789.3), dbSNP rs778965503, ClinGen allele CA8852315.

ClinVar aggregate classification (germline): Uncertain significance (1 of 4 stars; one submission).

Conditions:
Epileptic encephalopathy. Identifiers: MedGen C0543888, HP:0200134.

Allele frequency attached by ClinVar (database versions not stated): ExAC 0.00001; gnomAD 0.00001; gnomAD exomes 0.00001; TOPMed 0.00001.
gnomAD v4.1: 12 of 1,606,240 alleles (0.00075%); highest among the groups gnomAD compares: South Asian, 0.0011%; no homozygotes.

Submission:

Labcorp Genetics (formerly Invitae), Labcorp
Classification: Uncertain significance for Epileptic encephalopathy. Last evaluated: 2023-12-10. Review status: criteria provided, single submitter. Criteria: Invitae Variant Classification Sherloc (09022015). Collection method: clinical testing. Allele origin: germline.
Comment: This sequence change replaces glycine, which is neutral and non-polar, with serine, which is neutral and polar, at codon 1217 of the FASN protein (p.Gly1217Ser). This variant is present in population databases (rs778965503, gnomAD 0.003%). This variant has not been reported in the literature in individuals affected with FASN-related conditions. An algorithm developed to predict the effect of missense changes on protein structure and function (PolyPhen-2) suggests that this variant is likely to be tolerated. In summary, the available evidence is currently insufficient to determine the role of this variant in disease. Therefore, it has been classified as a Variant of Uncertain Significance.